The following is an entry in ClinVar:

ClinVar aggregate classification (germline): Uncertain significance (1 of 4 stars; one submission).

Conditions:
Methylcobalamin deficiency type cblG (HMAG). Also called: Functional methionine synthase deficiency type cblG; HOMOCYSTINURIA-MEGALOBLASTIC ANEMIA DUE TO DEFECT IN COBALAMIN METABOLISM, cblG COMPLEMENTATION TYPE; HOMOCYSTINURIA-MEGALOBLASTIC ANEMIA, cblG TYPE; HOMOCYSTINURIA-MEGALOBLASTIC ANEMIA, cblG COMPLEMENTATION TYPE. Identifiers: Orphanet 2170, Orphanet 622, MedGen C1855128, MONDO:0009609, OMIM 250940.

Submission:

Labcorp Genetics (formerly Invitae), Labcorp
Classification: Uncertain significance for Methylcobalamin deficiency type cblG. Last evaluated: 2022-09-26. Review status: criteria provided, single submitter. Criteria: Invitae Variant Classification Sherloc (09022015). Collection method: clinical testing. Allele origin: germline.
Comment: This sequence change replaces serine, which is neutral and polar, with asparagine, which is neutral and polar, at codon 99 of the MTR protein (p.Ser99Asn). This variant is not present in population databases (gnomAD no frequency). This variant has not been reported in the literature in individuals affected with MTR-related conditions. Advanced modeling of protein sequence and biophysical properties (such as structural, functional, and spatial information, amino acid conservation, physicochemical variation, residue mobility, and thermodynamic stability) performed at Invitae indicates that this missense variant is not expected to disrupt MTR protein function. In summary, the available evidence is currently insufficient to determine the role of this variant in disease. Therefore, it has been classified as a Variant of Uncertain Significance.

NM_000254.3(MTR):c.296G>A (p.Ser99Asn)

Gene: MTR (5-methyltetrahydrofolate-homocysteine methyltransferase; plus strand). Cytogenetic location: 1q43.
Variant type: single nucleotide variant.
Coding change: c.296G>A on transcript NM_000254.3 (MANE Select); coding-DNA position 296, G replaced by A.
Protein change: p.Ser99Asn; replaces serine 99 with asparagine.
Molecular consequence: missense variant. On other transcripts: 5 prime UTR variant (1).
Genome position (GRCh38, 1-based): chr1:236,806,190, G>A. VCF-style: chr1-236806190-G-A. GRCh37 (hg19) VCF-style: chr1-236969490-G-A.
Other names: c.296G>A, p.Ser99Asn (NM_001291939.1, NM_001410942.1); c.-813G>A (NM_001291940.2); short protein forms S99N.
Identifiers: ClinVar variation 2121593 (VCV002121593.4), dbSNP rs2527833257, ClinGen allele CA345381489.
Genomic context (GRCh38, chr1:236,806,190, plus strand): 5'-ATCTCTTGTTGCAGGAATACTTGCTGGCTGGGGCAGATATCATTGAAACAAATACTTTTA[G>A]CAGCACTAGTATTGCCCAAGCTGACTATGGCCTTGAACACTTGGTAAGAATTCCATTGTT-3'
Protein context (NP_000245.2, residues 89-109): GADIIETNTF[Ser99Asn]STSIAQADYG